The following is an entry in ClinVar:

NM_000138.5(FBN1):c.461G>T (p.Cys154Phe)

Gene: FBN1 (fibrillin 1; minus strand). Cytogenetic location: 15q21.1.
Variant type: single nucleotide variant.
Coding change: c.461G>T on transcript NM_000138.5 (MANE Select); coding-DNA position 461, G replaced by T.
Protein change: p.Cys154Phe; replaces cysteine 154 with phenylalanine.
Molecular consequence: missense variant.
Genome position (GRCh38, 1-based): chr15:48,596,360, C>A on the plus strand (G>T on the coding strand, the complement: FBN1 is on the minus strand). VCF-style: chr15-48596360-C-A. GRCh37 (hg19) VCF-style: chr15-48888557-C-A.
Other names: c.461G>T, p.Cys154Phe (NM_001406716.1, NM_001406717.1); short protein forms C154F.
Identifiers: ClinVar variation 2028254 (VCV002028254.4), dbSNP rs1057521103, ClinGen allele CA392446378.
Genomic context (GRCh38, chr15:48,596,360, plus strand): 5'-CCAGTAAATCCGTAAGTGCATGCACATCGATTTGGGGCCACACACCTTCCTCCATTGAGA[C>A]AGCCACTTTCACAAACAGCTGTAAAATAAGGAGAGAGCTGAGACGCTTTACCTGAAAATA-3'
Protein context (NP_000129.3, residues 144-164): HCGQPVCESG[Cys154Phe]LNGGRCVAPN

ClinVar aggregate classification (germline): Pathogenic (1 of 4 stars; one submission).

Conditions:
Familial thoracic aortic aneurysm and aortic dissection (TAAD). Also called: Thoracic aortic aneurysms and dissections. Identifiers: Orphanet 91387, MedGen C4707243, MONDO:0019625.
Marfan syndrome (MFS). Also called: MARFAN SYNDROME, TYPE I; Marfan syndrome type 1; Marfan's syndrome; Marfan syndrome, classic; FBN1-Related Marfan Syndrome. Identifiers: Orphanet 284963, Orphanet 558, MedGen C0024796, MONDO:0007947, OMIM 154700.

Submission:

Labcorp Genetics (formerly Invitae), Labcorp
Classification: Pathogenic for Marfan syndrome; Familial thoracic aortic aneurysm and aortic dissection. Last evaluated: 2025-01-15. Review status: criteria provided, single submitter. Criteria: Invitae Variant Classification Sherloc (09022015). Collection method: clinical testing. Allele origin: germline.
Comment: This sequence change replaces cysteine, which is neutral and slightly polar, with phenylalanine, which is neutral and non-polar, at codon 154 of the FBN1 protein (p.Cys154Phe). This variant is not present in population databases (gnomAD no frequency). This missense change has been observed in individual(s) with clinical features of FBN1-related conditions (internal data). ClinVar contains an entry for this variant (Variation ID: 2028254). Invitae Evidence Modeling of protein sequence and biophysical properties (such as structural, functional, and spatial information, amino acid conservation, physicochemical variation, residue mobility, and thermodynamic stability) indicates that this missense variant is expected to disrupt FBN1 protein function with a positive predictive value of 95%. This variant affects a cysteine residue in the EGF-like, TGFBP or hybrid motif domains of FBN1. Cysteine residues are believed to be involved in intramolecular disulfide bridges and have been shown to be important for FBN1 protein structure (PMID: 16905551, 19349279). In addition, missense substitutions affecting cysteine residues within these domains are significantly overrepresented among patients with Marfan syndrome (PMID: 16571647, 17701892). This variant disrupts the p.Cys154 amino acid residue in FBN1. Other variant(s) that disrupt this residue have been observed in individuals with FBN1-related conditions (PMID: 14695540; internal data), which suggests that this may be a clinically significant amino acid residue. For these reasons, this variant has been classified as Pathogenic.

Literature cited by the submitters: PubMed 16905551; PubMed 19349279; PubMed 16571647; PubMed 17701892; PubMed 14695540.